The following is an entry in ClinVar:

NM_005908.4(MANBA):c.347T>C (p.Ile116Thr)

Gene: MANBA (mannosidase beta; minus strand). Cytogenetic location: 4q24.
Variant type: single nucleotide variant.
Coding change: c.347T>C on transcript NM_005908.4 (MANE Select); coding-DNA position 347, T replaced by C.
Protein change: p.Ile116Thr; replaces isoleucine 116 with threonine.
Molecular consequence: missense variant.
Genome position (GRCh38, 1-based): chr4:102,723,893, A>G on the plus strand (T>C on the coding strand, the complement: MANBA is on the minus strand). VCF-style: chr4-102723893-A-G. GRCh37 (hg19) VCF-style: chr4-103645050-A-G.
Other names: c.347T>C (NM_005908.3); short protein forms I116T.
Identifiers: ClinVar variation 1006930 (VCV001006930.6), dbSNP rs775841860, ClinGen allele CA3027260.

ClinVar aggregate classification (germline): Uncertain significance. Review status: criteria provided, multiple submitters, no conflicts (2 of 4 stars). 2 submissions from 2 submitters: Uncertain significance (2). Last evaluated 2025-08-12.

Conditions:
Beta-D-mannosidosis (MANSB). Also called: MANNOSIDOSIS, BETA A, LYSOSOMAL; BETA-MANNOSIDASE DEFICIENCY; LYSOSOMAL BETA-MANNOSIDASE DEFICIENCY; Beta-Mannosidosis. Identifiers: Orphanet 118, MedGen C4048196, MONDO:0009562, OMIM 248510.
Inborn genetic diseases. Identifiers: MedGen C0950123, MeSH D030342.

Allele frequency attached by ClinVar (database versions not stated): TOPMed 0.00005; gnomAD exomes 0.00003 and 0.00004; ExAC 0.00002; gnomAD 0.00004.
gnomAD v4.1: 71 of 1,607,872 alleles (0.0044%); highest among the groups gnomAD compares: Middle Eastern, 0.016%; no homozygotes.

Submissions (2):

Ambry Genetics
Classification: Uncertain significance for Inborn genetic diseases. Last evaluated: 2025-08-12. Review status: criteria provided, single submitter. Criteria: Ambry Variant Classification Scheme 2023. Collection method: clinical testing. Allele origin: germline.

Labcorp Genetics (formerly Invitae), Labcorp
Classification: Uncertain significance for Beta-D-mannosidosis. Last evaluated: 2024-12-19. Review status: criteria provided, single submitter. Criteria: Invitae Variant Classification Sherloc (09022015). Collection method: clinical testing. Allele origin: germline.
Comment: This sequence change replaces isoleucine, which is neutral and non-polar, with threonine, which is neutral and polar, at codon 116 of the MANBA protein (p.Ile116Thr). This variant is present in population databases (rs775841860, gnomAD 0.01%). This variant has not been reported in the literature in individuals affected with MANBA-related conditions. ClinVar contains an entry for this variant (Variation ID: 1006930). Invitae Evidence Modeling of protein sequence and biophysical properties (such as structural, functional, and spatial information, amino acid conservation, physicochemical variation, residue mobility, and thermodynamic stability) indicates that this missense variant is not expected to disrupt MANBA protein function with a negative predictive value of 80%. In summary, the available evidence is currently insufficient to determine the role of this variant in disease. Therefore, it has been classified as a Variant of Uncertain Significance.